The following is an entry in ClinVar:

NM_005159.5(ACTC1):c.101C>A (p.Pro34Gln)

Genes: ACTC1 (actin alpha cardiac muscle 1; minus strand), GJD2-DT (GJD2 divergent transcript; plus strand). Cytogenetic location: 15q14.
Variant type: single nucleotide variant.
Coding change: c.101C>A on transcript NM_005159.5 (MANE Select); coding-DNA position 101, C replaced by A.
Protein change: p.Pro34Gln; replaces proline 34 with glutamine.
Molecular consequence: missense variant.
Genome position (GRCh38, 1-based): chr15:34,794,708, G>T on the plus strand (C>A on the coding strand, the complement: ACTC1 is on the minus strand). VCF-style: chr15-34794708-G-T. GRCh37 (hg19) VCF-style: chr15-35086909-G-T.
Other names: short protein forms P34Q.
Identifiers: ClinVar variation 838163 (VCV000838163.10), dbSNP rs1373760624, ClinGen allele CA391633111.

ClinVar aggregate classification (germline): Uncertain significance. Review status: criteria provided, multiple submitters, no conflicts (2 of 4 stars). 2 submissions from 2 submitters: Uncertain significance (2). Last evaluated 2026-03-11.

Conditions:
Cardiovascular phenotype. Identifiers: MedGen CN230736.
Hypertrophic cardiomyopathy 11. Also called: ACTC1-Related Familial Hypertrophic Cardiomyopathy. Identifiers: MedGen C2677506, MONDO:0012799, OMIM 612098.
Dilated cardiomyopathy 1R (CMD1R). Identifiers: Orphanet 154, Orphanet 54260, MedGen C3150681, MONDO:0013261, OMIM 613424.
Atrial septal defect 5 (ASD5). Identifiers: Orphanet 1478, MedGen C2748552, MONDO:0013011, OMIM 612794.

Submissions (2):

Ambry Genetics
Classification: Uncertain significance for Cardiovascular phenotype. Last evaluated: 2026-03-11. Review status: criteria provided, single submitter. Criteria: Ambry Variant Classification Scheme 2023. Collection method: clinical testing. Allele origin: germline.
Comment: The p.P34Q variant (also known as c.101C>A), located in coding exon 1 of the ACTC1 gene, results from a C to A substitution at nucleotide position 101. The proline at codon 34 is replaced by glutamine, an amino acid with similar properties. This amino acid position is conserved. In addition, this alteration is predicted to be deleterious by in silico analysis. Based on the available evidence, the clinical significance of this variant remains unclear.

Labcorp Genetics (formerly Invitae), Labcorp
Classification: Uncertain significance for Dilated cardiomyopathy 1R; Hypertrophic cardiomyopathy 11; Atrial septal defect 5. Last evaluated: 2019-12-19. Review status: criteria provided, single submitter. Criteria: Invitae Variant Classification Sherloc (09022015). Collection method: clinical testing. Allele origin: germline.
Comment: In summary, the available evidence is currently insufficient to determine the role of this variant in disease. Therefore, it has been classified as a Variant of Uncertain Significance. Algorithms developed to predict the effect of sequence changes on RNA splicing suggest that this variant may create or strengthen a splice site, but this prediction has not been confirmed by published transcriptional studies. Algorithms developed to predict the effect of missense changes on protein structure and function (SIFT, PolyPhen-2, Align-GVGD) all suggest that this variant is likely to be disruptive, but these predictions have not been confirmed by published functional studies and their clinical significance is uncertain. This variant has not been reported in the literature in individuals with ACTC1-related conditions. This variant is not present in population databases (ExAC no frequency). This sequence change replaces proline with glutamine at codon 34 of the ACTC1 protein (p.Pro34Gln). The proline residue is highly conserved and there is a moderate physicochemical difference between proline and glutamine.